The following is an entry in ClinVar:

NM_004946.3(DOCK2):c.5119G>A (p.Val1707Ile)

Gene: DOCK2 (dedicator of cytokinesis 2; plus strand). Cytogenetic location: 5q35.1.
Variant type: single nucleotide variant.
Coding change: c.5119G>A on transcript NM_004946.3 (MANE Select); coding-DNA position 5119, G replaced by A.
Protein change: p.Val1707Ile; replaces valine 1707 with isoleucine.
Molecular consequence: missense variant. On other transcripts: non-coding transcript variant (1).
Genome position (GRCh38, 1-based): chr5:170,079,099, G>A. VCF-style: chr5-170079099-G-A. GRCh37 (hg19) VCF-style: chr5-169506103-G-A.
Other names: c.5119G>A (NM_004946.2); short protein forms V1707I.
Identifiers: ClinVar variation 2038947 (VCV002038947.2), dbSNP rs576632273, ClinGen allele CA3554765.
Genomic context (GRCh38, chr5:170,079,099, plus strand): 5'-GGGAGCACCCTGCCTGAGGTCAAGCTGCGGAGGTCCAAGAAGAGGACAAAGAGAAGCAGC[G>A]TAGTTTTTGCGGATGAGAAAGCAGCTGCAGAGTCGGACCTGAAGCGGGTGAGTGGCTGAG-3'
Protein context (NP_004937.1, residues 1697-1717): RSKKRTKRSS[Val1707Ile]VFADEKAAAE

ClinVar aggregate classification (germline): Uncertain significance. Review status: criteria provided, multiple submitters, no conflicts (2 of 4 stars). 2 submissions from 2 submitters: Uncertain significance (2). Last evaluated 2025-06-29.

Conditions:
DOCK2 deficiency. Also called: Immunodeficiency 40. Identifiers: Orphanet 447737, MedGen C4225328, MONDO:0014637, OMIM 616433.
Inborn genetic diseases. Identifiers: MedGen C0950123, MeSH D030342.

Allele frequency attached by ClinVar (database versions not stated): ExAC 0.00002; gnomAD 0.00003; TOPMed 0.00004.
gnomAD v4.1: 61 of 1,613,996 alleles (0.0038%); highest among the groups gnomAD compares: East Asian, 0.011%; no homozygotes.

Submissions (2):

Ambry Genetics
Classification: Uncertain significance for Inborn genetic diseases. Last evaluated: 2025-06-29. Review status: criteria provided, single submitter. Criteria: Ambry Variant Classification Scheme 2023. Collection method: clinical testing. Allele origin: germline.

Labcorp Genetics (formerly Invitae), Labcorp
Classification: Uncertain significance for DOCK2 deficiency. Last evaluated: 2022-10-09. Review status: criteria provided, single submitter. Criteria: Invitae Variant Classification Sherloc (09022015). Collection method: clinical testing. Allele origin: germline.
Comment: This sequence change replaces valine, which is neutral and non-polar, with isoleucine, which is neutral and non-polar, at codon 1707 of the DOCK2 protein (p.Val1707Ile). This variant is present in population databases (rs576632273, gnomAD 0.02%). This variant has not been reported in the literature in individuals affected with DOCK2-related conditions. Algorithms developed to predict the effect of missense changes on protein structure and function (SIFT, PolyPhen-2, Align-GVGD) all suggest that this variant is likely to be tolerated. In summary, the available evidence is currently insufficient to determine the role of this variant in disease. Therefore, it has been classified as a Variant of Uncertain Significance.